The following is an entry in ClinVar:

NM_006767.4(LZTR1):c.658C>G (p.Gln220Glu)

Gene: LZTR1 (leucine zipper like post translational regulator 1; plus strand). Cytogenetic location: 22q11.21.
Variant type: single nucleotide variant.
Coding change: c.658C>G on transcript NM_006767.4 (MANE Select); coding-DNA position 658, C replaced by G.
Protein change: p.Gln220Glu; replaces glutamine 220 with glutamic acid.
Molecular consequence: missense variant.
Genome position (GRCh38, 1-based): chr22:20,990,392, C>G. VCF-style: chr22-20990392-C-G. GRCh37 (hg19) VCF-style: chr22-21344681-C-G.
Other names: c.658C>G (NM_006767.3); short protein forms Q220E.
Identifiers: ClinVar variation 3677260 (VCV003677260.3).

ClinVar aggregate classification (germline): Uncertain significance. Review status: criteria provided, multiple submitters, no conflicts (2 of 4 stars). 2 submissions from 2 submitters: Uncertain significance (2). Last evaluated 2026-04-20.

Conditions:
Cardiovascular phenotype. Identifiers: MedGen CN230736.
Hereditary cancer-predisposing syndrome. Also called: Hereditary neoplastic syndrome; Tumor predisposition; Hereditary Cancer Syndrome; Neoplastic Syndromes, Hereditary. Identifiers: Orphanet 140162, MedGen C0027672, MeSH D009386, MONDO:0015356.

gnomAD v4.1: 1 of 1,614,086 alleles (0.000062%); highest among the groups gnomAD compares: Non-Finnish European, 0.000085%; no homozygotes.

Submissions (2):

Ambry Genetics
Classification: Uncertain significance for Cardiovascular phenotype; Hereditary cancer-predisposing syndrome. Last evaluated: 2026-04-20. Review status: criteria provided, single submitter. Criteria: Ambry Variant Classification Scheme 2023. Collection method: clinical testing. Allele origin: germline.
Comment: The p.Q220E variant (also known as c.658C>G), located in coding exon 8 of the LZTR1 gene, results from a C to G substitution at nucleotide position 658. The glutamine at codon 220 is replaced by glutamic acid, an amino acid with highly similar properties. This amino acid position is conserved. In addition, this alteration is predicted to be tolerated by in silico analysis. Based on the available evidence, the clinical significance of this variant remains unclear.

Labcorp Genetics (formerly Invitae), Labcorp
Classification: Uncertain significance. Last evaluated: 2024-03-27. Review status: criteria provided, single submitter. Criteria: Invitae Variant Classification Sherloc (09022015). Collection method: clinical testing. Allele origin: germline.
Comment: This sequence change replaces glutamine, which is neutral and polar, with glutamic acid, which is acidic and polar, at codon 220 of the LZTR1 protein (p.Gln220Glu). This variant is not present in population databases (gnomAD no frequency). This variant has not been reported in the literature in individuals affected with LZTR1-related conditions. Advanced modeling of protein sequence and biophysical properties (such as structural, functional, and spatial information, amino acid conservation, physicochemical variation, residue mobility, and thermodynamic stability) performed at Invitae indicates that this missense variant is not expected to disrupt LZTR1 protein function with a negative predictive value of 80%. In summary, the available evidence is currently insufficient to determine the role of this variant in disease. Therefore, it has been classified as a Variant of Uncertain Significance.